The following is an entry in ClinVar:

NM_000540.3(RYR1):c.1243A>G (p.Lys415Glu)

Gene: RYR1 (ryanodine receptor 1; plus strand). Cytogenetic location: 19q13.2.
Variant type: single nucleotide variant.
Coding change: c.1243A>G on transcript NM_000540.3 (MANE Select); coding-DNA position 1243, A replaced by G.
Protein change: p.Lys415Glu; replaces lysine 415 with glutamic acid.
Molecular consequence: missense variant.
Genome position (GRCh38, 1-based): chr19:38,451,884, A>G. VCF-style: chr19-38451884-A-G. GRCh37 (hg19) VCF-style: chr19-38942524-A-G.
Other names: c.1243A>G, p.Lys415Glu (NM_001042723.2); short protein forms K415E.
Identifiers: ClinVar variation 3073801 (VCV003073801.1), dbSNP rs2514010548, ClinGen allele CA405684141.
Genomic context (GRCh38, chr19:38,451,884, plus strand): 5'-GAGGAGTCCCAGGCCGCCCGCATGATCCACAGCACCAATGGCCTATACAACCAGTTCATC[A>G]AGTGAGCAACCTGCCCTCCCTGCTGGGGTGACTCCTGTGCTGTCCCATGCTCCGGGCATC-3'
Protein context (NP_000531.2, residues 405-425): STNGLYNQFI[Lys415Glu]SLDSFSGKPR

ClinVar aggregate classification (germline): Uncertain significance (1 of 4 stars; one submission).

Conditions:
Malignant hyperthermia, susceptibility to, 1 (MHS1). Also called: Anesthesia related hyperthermia; Malignant hyperpyrexia; Fulminating hyperpyrexia; Pharmacogenic myopathy; RYR1-Related Malignant Hyperthermia Susceptibility; Malignant hyperthermia suceptibility 1. Identifiers: Orphanet 423, MedGen C2930980, MONDO:0007783, OMIM 145600.

Submission:

All of Us Research Program, National Institutes of Health
Classification: Uncertain significance for Malignant hyperthermia, susceptibility to, 1. Last evaluated: 2023-10-06. Review status: criteria provided, single submitter. Criteria: ACMG Guidelines, 2015. Collection method: clinical testing. Allele origin: germline. Inheritance: Autosomal dominant inheritance. Observed: 1 variant allele, 1 heterozygote.
Comment: This missense variant replaces lysine with glutamic acid at codon 415 of the RYR1 protein. Computational prediction suggests that this variant may have deleterious impact on protein structure and function (internally defined REVEL score threshold >= 0.7, PMID: 27666373). To our knowledge, functional studies have not been reported for this variant. This variant has not been reported in individuals affected with RYR1-related disorders in the literature. This variant has not been identified in the general population by the Genome Aggregation Database (gnomAD). The available evidence is insufficient to determine the role of this variant in disease conclusively. Therefore, this variant is classified as a Variant of Uncertain Significance.

This study involves interpretation of variants in research participants for the purpose of population health screening. Participant phenotype was not available at the time of variant classification. Additional details can be found in publication PMID: 35346344, PMCID: PMC8962531